The following is an entry in ClinVar:

ClinVar aggregate classification (germline): Uncertain significance (1 of 4 stars; one submission).

Allele frequency attached by ClinVar (database versions not stated): gnomAD 0.00002; TOPMed 0.00003; gnomAD exomes 0.00005.

Submission:

Labcorp Genetics (formerly Invitae), Labcorp
Classification: Uncertain significance. Last evaluated: 2025-12-09. Review status: criteria provided, single submitter. Criteria: Invitae Variant Classification Sherloc (09022015). Collection method: clinical testing. Allele origin: germline.
Comment: This sequence change replaces proline, which is neutral and non-polar, with serine, which is neutral and polar, at codon 61 of the TNFRSF6B protein (p.Pro61Ser). The frequency data for this variant in the population databases is considered unreliable, as metrics indicate poor data quality at this position in the gnomAD database. This variant has not been reported in the literature in individuals affected with TNFRSF6B-related conditions. ClinVar contains an entry for this variant (Variation ID: 1914209). An algorithm developed to predict the effect of missense changes on protein structure and function (PolyPhen-2) suggests that this variant is likely to be disruptive. In summary, the available evidence is currently insufficient to determine the role of this variant in disease. Therefore, it has been classified as a Variant of Uncertain Significance.

NM_003823.4(TNFRSF6B):c.181C>T (p.Pro61Ser)

Genes: RTEL1-TNFRSF6B (RTEL1-TNFRSF6B readthrough (NMD candidate); plus strand), TNFRSF6B (TNF receptor superfamily member 6b; plus strand). Cytogenetic location: 20q13.33.
Variant type: single nucleotide variant.
Coding change: c.181C>T on transcript NM_003823.4 (MANE Select); coding-DNA position 181, C replaced by T.
Protein change: p.Pro61Ser; replaces proline 61 with serine.
Molecular consequence: missense variant. On other transcripts: non-coding transcript variant (1).
Genome position (GRCh38, 1-based): chr20:63,696,948, C>T. VCF-style: chr20-63696948-C-T. GRCh37 (hg19) VCF-style: chr20-62328301-C-T.
Other names: short protein forms P61S.
Identifiers: ClinVar variation 1914209 (VCV001914209.5), dbSNP rs956816954, ClinGen allele CA317533947.